The following is an entry in ClinVar:

ClinVar aggregate classification (germline): Likely benign. Review status: criteria provided, multiple submitters, no conflicts (2 of 4 stars). 2 submissions from 2 submitters: Likely benign (2). Last evaluated 2025-03-31.

Allele frequency attached by ClinVar (database versions not stated): ESP Exome Variant Server 0.00046; 1000 Genomes Project 30x 0.00047; gnomAD exomes 0.00007 and 0.00017; ExAC 0.00017; gnomAD 0.00033 and 0.00037; TOPMed 0.00039; 1000 Genomes Project 0.00040.

Submissions (3):

Labcorp Genetics (formerly Invitae), Labcorp
Classification: Likely benign. Last evaluated: 2025-03-31. Review status: criteria provided, single submitter. Criteria: Invitae Variant Classification Sherloc (09022015). Collection method: clinical testing. Allele origin: germline.

GeneDx
Classification: Likely benign. Last evaluated: 2018-02-06. Review status: criteria provided, single submitter. Criteria: GeneDx Variant Classification (06012015). Collection method: clinical testing. Allele origin: germline. Affected: yes.
Comment: This variant is considered likely benign or benign based on one or more of the following criteria: it is a conservative change, it occurs at a poorly conserved position in the protein, it is predicted to be benign by multiple in silico algorithms, and/or has population frequency not consistent with disease.

Dr. Peter K. Rogan Lab, Western University
No classification provided (evidence only). Condition: Uveal melanoma. Review status: no classification provided. Collection method: in vitro. Allele origin: not applicable. Functional consequence: retained intron. Not counted in ClinVar's aggregate classification.

NM_002949.4(MRPL12):c.261+18C>G

Gene: MRPL12 (mitochondrial ribosomal protein L12; plus strand). Cytogenetic location: 17q25.3.
Variant type: single nucleotide variant.
Coding change: c.261+18C>G on transcript NM_002949.4 (MANE Select); 18 bases into the intron after coding-DNA position 261, C replaced by G.
Molecular consequence: intron variant.
Genome position (GRCh38, 1-based): chr17:81,704,448, C>G. VCF-style: chr17-81704448-C-G. GRCh37 (hg19) VCF-style: chr17-79671478-C-G.
Identifiers: ClinVar variation 515448 (VCV000515448.7), dbSNP rs200241861, ClinGen allele CA8841299.